The following is an entry in ClinVar:

NM_001082486.2(ACD):c.821G>T (p.Ser274Ile)

Gene: ACD (ACD shelterin complex subunit and telomerase recruitment factor; minus strand). Cytogenetic location: 16q22.1.
Variant type: single nucleotide variant.
Coding change: c.821G>T on transcript NM_001082486.2 (MANE Select); coding-DNA position 821, G replaced by T.
Protein change: p.Ser274Ile; replaces serine 274 with isoleucine.
Molecular consequence: missense variant. On other transcripts: intron variant (1).
Genome position (GRCh38, 1-based): chr16:67,658,563, C>A on the plus strand (G>T on the coding strand, the complement: ACD is on the minus strand). VCF-style: chr16-67658563-C-A. GRCh37 (hg19) VCF-style: chr16-67692466-C-A.
Other names: c.812G>T, p.Ser271Ile (NM_022914.3); c.742+157G>T (NM_001410884.1); short protein forms S271I, S274I.
Identifiers: ClinVar variation 3623642 (VCV003623642.2).

ClinVar aggregate classification (germline): Uncertain significance (1 of 4 stars; one submission).

Conditions:
Dyskeratosis congenita, autosomal dominant 6 (DKCA6). Identifiers: Orphanet 3322, MedGen C4225284, MONDO:0014690, OMIM 616553.

Submission:

Labcorp Genetics (formerly Invitae), Labcorp
Classification: Uncertain significance for Dyskeratosis congenita, autosomal dominant 6. Last evaluated: 2024-06-25. Review status: criteria provided, single submitter. Criteria: Invitae Variant Classification Sherloc (09022015). Collection method: clinical testing. Allele origin: germline.
Comment: This sequence change replaces serine, which is neutral and polar, with isoleucine, which is neutral and non-polar, at codon 360 of the ACD protein (p.Ser360Ile). This variant is not present in population databases (gnomAD no frequency). This variant has not been reported in the literature in individuals affected with ACD-related conditions. Advanced modeling of protein sequence and biophysical properties (such as structural, functional, and spatial information, amino acid conservation, physicochemical variation, residue mobility, and thermodynamic stability) performed at Invitae indicates that this missense variant is not expected to disrupt ACD protein function with a negative predictive value of 80%. Algorithms developed to predict the effect of sequence changes on RNA splicing suggest that this variant may disrupt the consensus splice site. In summary, the available evidence is currently insufficient to determine the role of this variant in disease. Therefore, it has been classified as a Variant of Uncertain Significance.